The following is an entry in ClinVar:

ClinVar aggregate classification (germline): Uncertain significance. Review status: criteria provided, multiple submitters, no conflicts (2 of 4 stars). 2 submissions from 2 submitters: Uncertain significance (2). Last evaluated 2022-05-09.

Submissions (2):

GeneDx
Classification: Uncertain significance. Last evaluated: 2022-05-09. Review status: criteria provided, single submitter. Criteria: GeneDx Variant Classification Process June 2021. Collection method: clinical testing. Allele origin: germline. Affected: yes.
Comment: Intronic +5 splice site variant in a gene for which loss of function is a known mechanism of disease, and both splice predictors and evolutionary conservation support a deleterious effect, although in the absence of functional evidence the actual effect of this sequence change is unknown.; Not observed at significant frequency in large population cohorts (gnomAD); Has not been previously published as pathogenic or benign to our knowledge

Labcorp Genetics (formerly Invitae), Labcorp
Classification: Uncertain significance. Last evaluated: 2022-02-10. Review status: criteria provided, single submitter. Criteria: Invitae Variant Classification Sherloc (09022015). Collection method: clinical testing. Allele origin: germline.
Comment: This sequence change falls in intron 53 of the ADGRV1 gene. It does not directly change the encoded amino acid sequence of the ADGRV1 protein. It affects a nucleotide within the consensus splice site. This variant is not present in population databases (gnomAD no frequency). This variant has not been reported in the literature in individuals affected with ADGRV1-related conditions. Variants that disrupt the consensus splice site are a relatively common cause of aberrant splicing (PMID: 17576681, 9536098). Algorithms developed to predict the effect of sequence changes on RNA splicing suggest that this variant may disrupt the consensus splice site. In summary, the available evidence is currently insufficient to determine the role of this variant in disease. Therefore, it has been classified as a Variant of Uncertain Significance.

Literature cited by the submitters: PubMed 17576681 (cited by Labcorp Genetics (formerly Invitae), Labcorp); PubMed 9536098 (cited by Labcorp Genetics (formerly Invitae), Labcorp).

NM_032119.4(ADGRV1):c.11121+5G>A

Gene: ADGRV1 (adhesion G protein-coupled receptor V1; plus strand). Cytogenetic location: 5q14.3.
Variant type: single nucleotide variant.
Coding change: c.11121+5G>A on transcript NM_032119.4 (MANE Select); 5 bases into the intron after coding-DNA position 11121, G replaced by A.
Molecular consequence: intron variant.
Genome position (GRCh38, 1-based): chr5:90,750,702, G>A. VCF-style: chr5-90750702-G-A. GRCh37 (hg19) VCF-style: chr5-90046519-G-A.
Identifiers: ClinVar variation 1511253 (VCV001511253.7), dbSNP rs2149946835, ClinGen allele CA2573140003.
Genomic context (GRCh38, chr5:90,750,702, plus strand): 5'-CCATAGCATGGGAAGCTGATGGAAGTATTAGTGATATATTTCCTACCTCAGGAGTGGTAT[G>A]TAATTTACAAAGTTATAGGAAACACTTTTAAATTATGGTTACTAGTGATGTATGGGACCA-3'